The following is an entry in ClinVar:

ClinVar aggregate classification (germline): Pathogenic/Likely pathogenic. Review status: criteria provided, multiple submitters, no conflicts (2 of 4 stars). 2 submissions from 2 submitters: Pathogenic (1); Likely pathogenic (1). Last evaluated 2025-07-07.

Conditions:
Autosomal recessive SYNJ1-related disorders.
Developmental and epileptic encephalopathy, 53. Also called: Epileptic encephalopathy, early infantile, 53. Identifiers: MedGen C4479313, MONDO:0033362, OMIM 617389.
Early-onset Parkinson disease 20. Also called: PARKINSON DISEASE 20, AUTOSOMAL RECESSIVE EARLY-ONSET. Identifiers: Orphanet 391411, MedGen C3809824, MONDO:0014233, OMIM 615530.

Submissions (2):

Variantyx, Inc.
Classification: Likely pathogenic for Autosomal recessive SYNJ1-related disorders. Last evaluated: 2025-07-07. Review status: criteria provided, single submitter. Criteria: Variantyx Assertion Criteria 2022. Collection method: clinical testing. Allele origin: germline. Inheritance: Autosomal recessive inheritance.
Comment: This is a frameshift variant in the SYNJ1 gene (OMIM: 604297). Pathogenic variants in this gene have been associated with autosomal recessive SYNJ1-related disorders. This variant introduces a premature termination codon in exon 9 out of 33 and is expected to result in loss of function, which is a known disease mechanism for SYNJ1 in this disorder (PMID: 27435091, 25316601) (PVS1). This variant has a 0.0011% maximum allele frequency in non-founder control populations (PM2). Based on the current evidence, this variant is classified as likely pathogenic for autosomal recessive SYNJ1-related disorders.

Labcorp Genetics (formerly Invitae), Labcorp
Classification: Pathogenic for Developmental and epileptic encephalopathy, 53; Early-onset Parkinson disease 20. Last evaluated: 2023-12-04. Review status: criteria provided, single submitter. Criteria: Invitae Variant Classification Sherloc (09022015). Collection method: clinical testing. Allele origin: germline.
Comment: This sequence change creates a premature translational stop signal (p.Tyr404Leufs*6) in the SYNJ1 gene. It is expected to result in an absent or disrupted protein product. Loss-of-function variants in SYNJ1 are known to be pathogenic (PMID: 25316601, 27435091). The frequency data for this variant in the population databases is considered unreliable, as metrics indicate poor data quality at this position in the gnomAD database. This variant has not been reported in the literature in individuals affected with SYNJ1-related conditions. ClinVar contains an entry for this variant (Variation ID: 1074545). Algorithms developed to predict the effect of sequence changes on RNA splicing suggest that this variant may disrupt the consensus splice site. For these reasons, this variant has been classified as Pathogenic.

Literature cited by the submitters: PubMed 25316601 (cited by Variantyx, Inc. and Labcorp Genetics (formerly Invitae), Labcorp); PubMed 27435091 (cited by Variantyx, Inc. and Labcorp Genetics (formerly Invitae), Labcorp).

NM_203446.3(SYNJ1):c.1093dup (p.Tyr365fs)

Gene: SYNJ1 (synaptojanin 1; minus strand). Cytogenetic location: 21q22.11.
Variant type: Duplication.
Coding change: c.1093dup on transcript NM_203446.3 (MANE Select); coding-DNA position 1093, one base duplicated (T; older notation c.1093dupT).
Protein change: p.Tyr365fs; shifts the reading frame from tyrosine 365.
Molecular consequence: frameshift variant.
Genome position (GRCh38, 1-based): chr21:32,685,773, A duplicated on the plus strand (T on the coding strand, the reverse complement: SYNJ1 is on the minus strand); the first of 7 consecutive A bases (chr21:32,685,773-32,685,779); duplicating any one gives the same sequence. VCF-style (leftmost placement, unchanged base first): chr21-32685772-T-TA. GRCh37 (hg19) VCF-style: chr21-34058082-T-TA.
Other names: c.1087dup, p.Tyr365Leufs (NM_001160302.2); c.1093dup, p.Tyr365fs (NM_001160306.2); c.1204dup, p.Tyr404Leufs (NM_003895.4); short protein forms Y365fs, Y404fs.
Identifiers: ClinVar variation 1074545 (VCV001074545.6), dbSNP rs1419316294, ClinGen allele CA637648381.